The following is an entry in ClinVar:

NM_014874.4(MFN2):c.1612C>G (p.Gln538Glu)

Gene: MFN2 (mitofusin 2; plus strand). Cytogenetic location: 1p36.22.
Variant type: single nucleotide variant.
Coding change: c.1612C>G on transcript NM_014874.4 (MANE Select); coding-DNA position 1612, C replaced by G.
Protein change: p.Gln538Glu; replaces glutamine 538 with glutamic acid.
Molecular consequence: missense variant.
Genome position (GRCh38, 1-based): chr1:12,005,827, C>G. VCF-style: chr1-12005827-C-G. GRCh37 (hg19) VCF-style: chr1-12065884-C-G.
Other names: c.1612C>G, p.Gln538Glu (NM_001127660.2); short protein forms Q538E.
Identifiers: ClinVar variation 2630131 (VCV002630131.4), dbSNP rs1027714006, ClinGen allele CA18012306.

ClinVar aggregate classification (germline): Uncertain significance. Review status: criteria provided, multiple submitters, no conflicts (2 of 4 stars). 2 submissions from 2 submitters: Uncertain significance (2). Last evaluated 2023-09-24.

Conditions:
Charcot-Marie-Tooth disease type 2. Also called: Charcot-Marie-Tooth type 2. Identifiers: Orphanet 64746, MedGen C0270914, MONDO:0018993.
MFN2-related disorder. Also called: MFN2-related condition; MFN2-related disorders.

Allele frequency attached by ClinVar (database versions not stated): TOPMed 0.00001; gnomAD 0.00003.
gnomAD v4.1: 6 of 1,614,086 alleles (0.00037%); highest among the groups gnomAD compares: African/African-American, 0.0067%; no homozygotes.

Submissions (2):

Labcorp Genetics (formerly Invitae), Labcorp
Classification: Uncertain significance for Charcot-Marie-Tooth disease type 2. Last evaluated: 2023-09-24. Review status: criteria provided, single submitter. Criteria: Invitae Variant Classification Sherloc (09022015). Collection method: clinical testing. Allele origin: germline.
Comment: This variant is not present in population databases (gnomAD no frequency). In summary, the available evidence is currently insufficient to determine the role of this variant in disease. Therefore, it has been classified as a Variant of Uncertain Significance. Advanced modeling of protein sequence and biophysical properties (such as structural, functional, and spatial information, amino acid conservation, physicochemical variation, residue mobility, and thermodynamic stability) performed at Invitae indicates that this missense variant is expected to disrupt MFN2 protein function. This variant has not been reported in the literature in individuals affected with MFN2-related conditions. This sequence change replaces glutamine, which is neutral and polar, with glutamic acid, which is acidic and polar, at codon 538 of the MFN2 protein (p.Gln538Glu).

PreventionGenetics, part of Exact Sciences
Classification: Uncertain significance for MFN2-related condition. Last evaluated: 2023-02-10. Review status: criteria provided, single submitter. Criteria: ACMG Guidelines, 2015. Collection method: clinical testing. Allele origin: germline.
Comment: The MFN2 c.1612C>G variant is predicted to result in the amino acid substitution p.Gln538Glu. To our knowledge, this variant has not been reported in the literature or in a large population database, indicating this variant is rare. At this time, the clinical significance of this variant is uncertain due to the absence of conclusive functional and genetic evidence.